The following is an entry in ClinVar:

NM_000719.7(CACNA1C):c.2555A>C (p.Glu852Ala)

Gene: CACNA1C (calcium voltage-gated channel subunit alpha1 C; plus strand). Cytogenetic location: 12p13.33.
Variant type: single nucleotide variant.
Coding change: c.2555A>C on transcript NM_000719.7 (MANE Select); coding-DNA position 2555, A replaced by C.
Protein change: p.Glu852Ala; replaces glutamic acid 852 with alanine.
Molecular consequence: missense variant.
Genome position (GRCh38, 1-based): chr12:2,593,237, A>C. VCF-style: chr12-2593237-A-C. GRCh37 (hg19) VCF-style: chr12-2702403-A-C.
Other names: c.2555A>C, p.Glu852Ala (NM_001129827.2, NM_001129829.2, NM_001129830.3 and 18 more transcripts); c.2546A>C, p.Glu849Ala (NM_001129844.2); short protein forms E852A, E849A.
Identifiers: ClinVar variation 2151690 (VCV002151690.6), dbSNP rs2516451297, ClinGen allele CA383372117.
Genomic context (GRCh38, chr12:2,593,237, plus strand): 5'-CTGGAGTTATTTAGAATGGTGCTGTTCTTCTTACAGGAGAAGAGGATGAGGAGGAGCCAG[A>C]GATGCCTGTCGGCCCTCGCCCACGACCACTCTCTGAGCTTCACCTTAAGGAAAAGGCAGT-3'
Protein context (NP_000710.5, residues 842-862): TTGEEDEEEP[Glu852Ala]MPVGPRPRPL

ClinVar aggregate classification (germline): Uncertain significance. Review status: criteria provided, multiple submitters, no conflicts (2 of 4 stars). 2 submissions from 2 submitters: Uncertain significance (2). Last evaluated 2025-12-16.

Conditions:
Long QT syndrome (LQTS). Identifiers: MedGen C0023976, MeSH D008133, MONDO:0002442. Disease mechanism: loss of function. Inheritance: Various modes of inheritance.
Cardiovascular phenotype. Identifiers: MedGen CN230736.

gnomAD v4.1: 1 of 1,613,790 alleles (0.000062%); highest among the groups gnomAD compares: Non-Finnish European, 0.000085%; no homozygotes.

Submissions (2):

Labcorp Genetics (formerly Invitae), Labcorp
Classification: Uncertain significance for Long QT syndrome. Last evaluated: 2025-12-16. Review status: criteria provided, single submitter. Criteria: Invitae Variant Classification Sherloc (09022015). Collection method: clinical testing. Allele origin: germline.
Comment: This sequence change replaces glutamic acid, which is acidic and polar, with alanine, which is neutral and non-polar, at codon 852 of the CACNA1C protein (p.Glu852Ala). This variant is not present in population databases (gnomAD no frequency). This variant has not been reported in the literature in individuals affected with CACNA1C-related conditions. ClinVar contains an entry for this variant (Variation ID: 2151690). Invitae Evidence Modeling of protein sequence and biophysical properties (such as structural, functional, and spatial information, amino acid conservation, physicochemical variation, residue mobility, and thermodynamic stability) has been performed for this missense variant. However, the output from this modeling did not meet the statistical confidence thresholds required to predict the impact of this variant on CACNA1C protein function. In summary, the available evidence is currently insufficient to determine the role of this variant in disease. Therefore, it has been classified as a Variant of Uncertain Significance.

Ambry Genetics
Classification: Uncertain significance for Cardiovascular phenotype. Last evaluated: 2023-05-03. Review status: criteria provided, single submitter. Criteria: Ambry Variant Classification Scheme 2023. Collection method: clinical testing. Allele origin: germline.
Comment: The p.E852A variant (also known as c.2555A>C), located in coding exon 19 of the CACNA1C gene, results from an A to C substitution at nucleotide position 2555. The glutamic acid at codon 852 is replaced by alanine, an amino acid with dissimilar properties. This amino acid position is well conserved in available vertebrate species. In addition, this alteration is predicted to be deleterious by in silico analysis. Since supporting evidence is limited at this time, the clinical significance of this alteration remains unclear.